The following is an entry in ClinVar:

NM_000942.5(PPIB):c.67TTC[1] (p.Phe24del)

Gene: PPIB (peptidylprolyl isomerase B; minus strand). Cytogenetic location: 15q22.31.
Variant type: Microsatellite.
Coding change: c.67TTC[1] on transcript NM_000942.5 (MANE Select); one copy of the 3-base unit TTC starting at c.67; the reference has two copies in a row; one copy, 3 bases deleted.
Protein change: p.Phe24del; deletes phenylalanine 24.
Molecular consequence: inframe deletion.
Genome position (GRCh38, 1-based): chr15:64,162,915-64,162,917, GAA deleted on the plus strand (TTC on the coding strand, the reverse complement: PPIB is on the minus strand); deleting any 3 consecutive bases within chr15:64,162,915-64,162,922 gives the same sequence; the position shown is the placement nearest the transcript's 3' end. VCF-style (leftmost placement, unchanged base first): chr15-64162914-GGAA-G. GRCh37 (hg19) VCF-style: chr15-64455113-GGAA-G.
Other names: short protein forms F24del.
Identifiers: ClinVar variation 1392035 (VCV001392035.3), dbSNP rs775722308, ClinGen allele CA7608623.
Genomic context (GRCh38, chr15:64,162,914, plus strand): 5'-TGACGGTGACTTTGGGCCCCTTCTTCTTCTCATCGGCCGCAGAAGGTCCCGGCAGCAGCA[GGAA>G]GAAGACGGACCCCGCGATGAGGGCGGCGGCAAGGAGCACCTTCATGTTGCGTTCGGAGAG-3'

ClinVar aggregate classification (germline): Uncertain significance (1 of 4 stars; one submission).

Submission:

Labcorp Genetics (formerly Invitae), Labcorp
Classification: Uncertain significance. Last evaluated: 2022-10-26. Review status: criteria provided, single submitter. Criteria: Invitae Variant Classification Sherloc (09022015). Collection method: clinical testing. Allele origin: germline.
Comment: This variant, c.70_72del, results in the deletion of 1 amino acid(s) of the PPIB protein (p.Phe24del), but otherwise preserves the integrity of the reading frame. This variant is present in population databases (rs775722308, gnomAD 0.009%). This variant has not been reported in the literature in individuals affected with PPIB-related conditions. Experimental studies and prediction algorithms are not available or were not evaluated, and the functional significance of this variant is currently unknown. In summary, the available evidence is currently insufficient to determine the role of this variant in disease. Therefore, it has been classified as a Variant of Uncertain Significance.